The following is an entry in ClinVar:

ClinVar aggregate classification (germline): Likely benign (1 of 4 stars; one submission).

Conditions:
Amelogenesis imperfecta hypomaturation type 2A3. Also called: Amelogenesis imperfecta, type IIA3. Identifiers: Orphanet 88661, MedGen C2750771, MONDO:0013181, OMIM 613211. Disease mechanism: loss of function.

Allele frequency attached by ClinVar (database versions not stated): gnomAD 0.00708 and 0.00744; TOPMed 0.00781; 1000 Genomes Project 0.00839; 1000 Genomes Project 30x 0.00890.
gnomAD v4.1: 1,061 of 152,132 alleles (0.7%); highest among the groups gnomAD compares: African/African-American, 2.5%; 12 homozygotes.

Submission:

Illumina Laboratory Services, Illumina
Classification: Likely benign for Amelogenesis imperfecta hypomaturation type 2A3. Last evaluated: 2018-01-12. Review status: criteria provided, single submitter. Criteria: ICSL Variant Classification Criteria 13 December 2019. Collection method: clinical testing. Allele origin: germline.
Comment: This variant was observed in the ICSL laboratory as part of a predisposition screen in an ostensibly healthy population. It had not been previously curated by ICSL or reported in the Human Gene Mutation Database (HGMD: prior to June 1st, 2018), and was therefore a candidate for classification through an automated scoring system. Utilizing variant allele frequency, disease prevalence and penetrance estimates, and inheritance mode, an automated score was calculated to assess if this variant is too frequent to cause the disease. Based on the score and internal cut-off values, a variant classified as likely benign is not then subjected to further curation. The score for this variant resulted in a classification of likely benign for this disease.

NM_182758.4(WDR72):c.*3325G>A

Gene: WDR72 (WD repeat domain 72; minus strand). Cytogenetic location: 15q21.3.
Variant type: single nucleotide variant.
Coding change: c.*3325G>A on transcript NM_182758.4 (MANE Select); 3325 bases downstream of the stop codon, G replaced by A.
Molecular consequence: 3 prime UTR variant. On other transcripts: non-coding transcript variant (3).
Genome position (GRCh38, 1-based): chr15:53,514,374, C>T on the plus strand (G>A on the coding strand, the complement: WDR72 is on the minus strand). VCF-style: chr15-53514374-C-T. GRCh37 (hg19) VCF-style: chr15-53806571-C-T.
Other names: c.*3325G>A (NM_001277176.2).
Identifiers: ClinVar variation 887585 (VCV000887585.4), dbSNP rs74015387, ClinGen allele CA271074479.